The following is an entry in ClinVar:

ClinVar aggregate classification (germline): Likely benign (1 of 4 stars; one submission).

gnomAD v4.1: 9 of 1,614,026 alleles (0.00056%); highest among the groups gnomAD compares: Non-Finnish European, 0.00076%; no homozygotes.

Submission:

CeGaT Center for Human Genetics Tuebingen
Classification: Likely benign. Last evaluated: 2026-06-01. Review status: criteria provided, single submitter. Criteria: CeGaT Center For Human Genetics Tuebingen Variant Classification Criteria Version 2. Collection method: clinical testing. Allele origin: germline. Affected: yes. Observed: 1 variant allele.
Comment: GRIN2B: BS2

NM_000834.5(GRIN2B):c.3631G>A (p.Gly1211Arg)

Gene: GRIN2B (glutamate ionotropic receptor NMDA type subunit 2B; minus strand). Cytogenetic location: 12p13.1.
Variant type: single nucleotide variant.
Coding change: c.3631G>A on transcript NM_000834.5 (MANE Select); coding-DNA position 3631, G replaced by A.
Protein change: p.Gly1211Arg; replaces glycine 1211 with arginine.
Molecular consequence: missense variant.
Genome position (GRCh38, 1-based): chr12:13,563,607, C>T on the plus strand (G>A on the coding strand, the complement: GRIN2B is on the minus strand). VCF-style: chr12-13563607-C-T. GRCh37 (hg19) VCF-style: chr12-13716541-C-T.
Other names: c.3631G>A, p.Gly1211Arg (NM_001413992.1); short protein forms G1211R.
Identifiers: ClinVar variation 4872610 (VCV004872610.2).